The following is an entry in ClinVar:

ClinVar aggregate classification (germline): Benign. Review status: criteria provided, multiple submitters, no conflicts (2 of 4 stars). 2 submissions from 2 submitters: Benign (2). Last evaluated 2025-12-31.

Conditions:
PNLIP-related disorder. Also called: PNLIP-related condition.

Allele frequency attached by ClinVar (database versions not stated): gnomAD exomes 0.00037; ExAC 0.00124; 1000 Genomes Project 30x 0.00312; 1000 Genomes Project 0.00319; gnomAD 0.00370; TOPMed 0.00412; ESP Exome Variant Server 0.00531.
gnomAD v4.1: 1,152 of 1,613,828 alleles (0.071%); highest among the groups gnomAD compares: African/African-American, 1.3%; 6 homozygotes.

Submissions (2):

Labcorp Genetics (formerly Invitae), Labcorp
Classification: Benign. Last evaluated: 2025-12-31. Review status: criteria provided, single submitter. Criteria: Invitae Variant Classification Sherloc (09022015). Collection method: clinical testing. Allele origin: germline.

PreventionGenetics, part of Exact Sciences
Classification: Benign for PNLIP-related condition. Last evaluated: 2025-10-21. Review status: criteria provided, single submitter. Criteria: ACMG Guidelines, 2015. Collection method: clinical testing. Allele origin: germline.
Comment: This variant is classified as benign based on ACMG/AMP sequence variant interpretation guidelines (Richards et al. 2015 PMID: 25741868, with internal and published modifications).

NM_000936.4(PNLIP):c.1241T>A (p.Met414Lys)

Gene: PNLIP (pancreatic lipase; plus strand). Cytogenetic location: 10q25.3.
Variant type: single nucleotide variant.
Coding change: c.1241T>A on transcript NM_000936.4 (MANE Select); coding-DNA position 1241, T replaced by A.
Protein change: p.Met414Lys; replaces methionine 414 with lysine.
Molecular consequence: missense variant.
Genome position (GRCh38, 1-based): chr10:116,561,543, T>A. VCF-style: chr10-116561543-T-A. GRCh37 (hg19) VCF-style: chr10-118321055-T-A.
Other names: c.1241T>A (NM_000936.3); short protein forms M414K.
Identifiers: ClinVar variation 2041454 (VCV002041454.5), dbSNP rs111319548, ClinGen allele CA5706745.